The following is an entry in ClinVar:

ClinVar aggregate classification (germline): Uncertain significance (1 of 4 stars; one submission).

Allele frequency attached by ClinVar (database versions not stated): gnomAD exomes below 0.00001; gnomAD 0.00001.
gnomAD v4.1: 3 of 1,613,528 alleles (0.00019%); highest among the groups gnomAD compares: Middle Eastern, 0.016%; no homozygotes.

Submission:

Ambry Genetics
Classification: Uncertain significance. Last evaluated: 2023-10-19. Review status: criteria provided, single submitter. Criteria: Ambry Variant Classification Scheme 2023. Collection method: clinical testing. Allele origin: germline.
Comment: The p.L748V variant (also known as c.2242C>G), located in coding exon 15 of the CTNNA3 gene, results from a C to G substitution at nucleotide position 2242. The leucine at codon 748 is replaced by valine, an amino acid with highly similar properties. This amino acid position is conserved. In addition, the in silico prediction for this alteration is inconclusive. Since supporting evidence is limited at this time, the clinical significance of this alteration remains unclear.

NM_013266.4(CTNNA3):c.2242C>G (p.Leu748Val)

Gene: CTNNA3 (catenin alpha 3; minus strand). Cytogenetic location: 10q21.3.
Variant type: single nucleotide variant.
Coding change: c.2242C>G on transcript NM_013266.4 (MANE Select); coding-DNA position 2242, C replaced by G.
Protein change: p.Leu748Val; replaces leucine 748 with valine.
Molecular consequence: missense variant.
Genome position (GRCh38, 1-based): chr10:65,988,715, G>C on the plus strand (C>G on the coding strand, the complement: CTNNA3 is on the minus strand). VCF-style: chr10-65988715-G-C. GRCh37 (hg19) VCF-style: chr10-67748473-G-C.
Other names: c.2242C>G, p.Leu748Val (NM_001127384.3); short protein forms L748V.
Identifiers: ClinVar variation 3226235 (VCV003226235.1), dbSNP rs1011996986, ClinGen allele CA377089247.
Genomic context (GRCh38, chr10:65,988,715, plus strand): 5'-CATGAACTTTTATGATGTCCACTTGTAAGTAACTCACCTGATTAGCAATCTGCCGAGCAA[G>C]GACATCCATCCTTGATCCTGATTCTGATATCATTTTCGCTGCATAGATCACATCAGTTGT-3'
Protein context (NP_037398.2, residues 738-758): ISESGSRMDV[Leu748Val]ARQIANQCPD